The following is an entry in ClinVar:

NM_001037.5(SCN1B):c.13C>A (p.Leu5Met)

Gene: SCN1B (sodium voltage-gated channel beta subunit 1; plus strand). Cytogenetic location: 19q13.11.
Variant type: single nucleotide variant.
Coding change: c.13C>A on transcript NM_001037.5 (MANE Select); coding-DNA position 13, C replaced by A.
Protein change: p.Leu5Met; replaces leucine 5 with methionine.
Molecular consequence: missense variant.
Genome position (GRCh38, 1-based): chr19:35,030,833, C>A. VCF-style: chr19-35030833-C-A. GRCh37 (hg19) VCF-style: chr19-35521737-C-A.
Other names: c.13C>A, p.Leu5Met (NM_199037.5); short protein forms L5M.
Identifiers: ClinVar variation 424188 (VCV000424188.9), dbSNP rs1064796847, ClinGen allele CA16620820.
Genomic context (GRCh38, chr19:35,030,833, plus strand): 5'-ATTAATACCGGCGGCCCGGGAGGGGGGCGCAGCACGCGCCGCGCAGCCATGGGGAGGCTG[C>A]TGGCCTTAGTGGTCGGCGCGGCACTGGGTGAGTGCGCGGGGGGCGCGCGCGGCCGGGGGG-3'
Protein context (NP_001028.1, residues 1-15): MGRL[Leu5Met]ALVVGAALVS

ClinVar aggregate classification (germline): Uncertain significance. Review status: criteria provided, multiple submitters, no conflicts (2 of 4 stars). 3 submissions from 3 submitters: Uncertain significance (3). Last evaluated 2024-02-22.

Conditions:
Cardiovascular phenotype. Identifiers: MedGen CN230736.
Brugada syndrome 5 (BRGDA5). Identifiers: Orphanet 130, Orphanet 871, MedGen C2748541, MONDO:0013015, OMIM 612838.

Allele frequency attached by ClinVar (database versions not stated): gnomAD 0.00001.

Submissions (3):

Ambry Genetics
Classification: Uncertain significance for Cardiovascular phenotype. Last evaluated: 2024-02-22. Review status: criteria provided, single submitter. Criteria: Ambry Variant Classification Scheme 2023. Collection method: clinical testing. Allele origin: germline.
Comment: The p.L5M variant (also known as c.13C>A), located in coding exon 1 of the SCN1B gene, results from a C to A substitution at nucleotide position 13. The leucine at codon 5 is replaced by methionine, an amino acid with highly similar properties. This amino acid position is well conserved in available vertebrate species. In addition, the in silico prediction for this alteration is inconclusive. Since supporting evidence is limited at this time, the clinical significance of this alteration remains unclear.

Labcorp Genetics (formerly Invitae), Labcorp
Classification: Uncertain significance for Brugada syndrome 5. Last evaluated: 2021-09-22. Review status: criteria provided, single submitter. Criteria: Invitae Variant Classification Sherloc (09022015). Collection method: clinical testing. Allele origin: germline.
Comment: ClinVar contains an entry for this variant (Variation ID: 424188). In summary, the available evidence is currently insufficient to determine the role of this variant in disease. Therefore, it has been classified as a Variant of Uncertain Significance. Algorithms developed to predict the effect of missense changes on protein structure and function are either unavailable or do not agree on the potential impact of this missense change (SIFT: "Tolerated"; PolyPhen-2: "Not Available"; Align-GVGD: "Class C0"). This missense change has been observed in individual(s) with clinical features of SCN1B-related conditions (Invitae). The frequency data for this variant in the population databases is considered unreliable, as metrics indicate insufficient coverage at this position in the ExAC database. This sequence change replaces leucine with methionine at codon 5 of the SCN1B protein (p.Leu5Met). The leucine residue is weakly conserved and there is a small physicochemical difference between leucine and methionine.

GeneDx
Classification: Uncertain significance. Last evaluated: 2017-03-27. Review status: criteria provided, single submitter. Criteria: GeneDx Variant Classification (06012015). Collection method: clinical testing. Allele origin: germline. Affected: yes.
Comment: The L5M variant in the SCN1B gene has not been reported previously as a pathogenic variant, nor as a benign variant, to our knowledge. Adequate data is not available in large population cohorts to assess the frequency of this variant in publicly available databases; however, this variant has not been detected in presumably healthy individuals tested at GeneDx. The L5M variant is a conservative amino acid substitution, which is not likely to impact secondary protein structure as these residues share similar properties. This substitution occurs at a position that is conserved in mammals. In silico analysis is inconsistent in its predictions as to whether or not the variant is damaging to the protein structure/function. We interpret L5M as a variant of uncertain significance.